The following is an entry in ClinVar:

ClinVar aggregate classification (germline): Pathogenic (1 of 4 stars; one submission).

Submission:

Labcorp Genetics (formerly Invitae), Labcorp
Classification: Pathogenic. Last evaluated: 2024-06-22. Review status: criteria provided, single submitter. Criteria: Invitae Variant Classification Sherloc (09022015). Collection method: clinical testing. Allele origin: germline.
Comment: This sequence change creates a premature translational stop signal (p.Asp2518Argfs*9) in the COL7A1 gene. It is expected to result in an absent or disrupted protein product. Loss-of-function variants in COL7A1 are known to be pathogenic (PMID: 16971478). This variant is present in population databases (no rsID available, gnomAD 0.0009%). This premature translational stop signal has been observed in individual(s) with epidermolysis bullosa dystrophica (PMID: 16971478). This variant is also known as c.7547ins5. ClinVar contains an entry for this variant (Variation ID: 2203357). Algorithms developed to predict the effect of sequence changes on RNA splicing suggest that this variant may disrupt the consensus splice site. For these reasons, this variant has been classified as Pathogenic.

Literature cited by the submitters: PubMed 16971478.

NM_000094.4(COL7A1):c.7547_7551dup (p.Asp2518fs)

Gene: COL7A1 (collagen type VII alpha 1 chain; minus strand). Cytogenetic location: 3p21.31.
Variant type: Duplication.
Coding change: c.7547_7551dup on transcript NM_000094.4 (MANE Select); coding-DNA positions 7547 to 7551, 5 bases duplicated (AGGGT; older notation c.7547_7551dupAGGGT).
Protein change: p.Asp2518fs; shifts the reading frame from aspartic acid 2518.
Molecular consequence: frameshift variant.
Genome position (GRCh38, 1-based): chr3:48,569,731-48,569,735, ACCCT duplicated on the plus strand (AGGGT on the coding strand, the reverse complement: COL7A1 is on the minus strand). VCF-style (leftmost placement, unchanged base first): chr3-48569730-C-CACCCT. GRCh37 (hg19) VCF-style: chr3-48607163-C-CACCCT.
Other names: short protein forms D2518fs.
Identifiers: ClinVar variation 2203357 (VCV002203357.4), dbSNP rs1332107669, ClinGen allele CA542788962.